The following is an entry in ClinVar:

ClinVar aggregate classification (germline): Uncertain significance (1 of 4 stars; one submission).

Conditions:
Dyskeratosis congenita. Identifiers: Orphanet 1775, MedGen C0265965, MONDO:0015780.

gnomAD v4.1: 13 of 1,614,148 alleles (0.00081%); highest among the groups gnomAD compares: Non-Finnish European, 0.001%; no homozygotes.

Submission:

Labcorp Genetics (formerly Invitae), Labcorp
Classification: Uncertain significance for Dyskeratosis congenita. Last evaluated: 2020-01-28. Review status: criteria provided, single submitter. Criteria: Invitae Variant Classification Sherloc (09022015). Collection method: clinical testing. Allele origin: germline.
Comment: This variant is not present in population databases (ExAC no frequency). This sequence change replaces alanine with threonine at codon 96 of the CTC1 protein (p.Ala96Thr). The alanine residue is moderately conserved and there is a small physicochemical difference between alanine and threonine. This variant has not been reported in the literature in individuals with CTC1-related disease. Algorithms developed to predict the effect of missense changes on protein structure and function output the following: SIFT: "Tolerated"; PolyPhen-2: "Benign"; Align-GVGD: "Class C0". The threonine amino acid residue is found in multiple mammalian species, suggesting that this missense change does not adversely affect protein function. These predictions have not been confirmed by published functional studies and their clinical significance is uncertain. In summary, the available evidence is currently insufficient to determine the role of this variant in disease. Therefore, it has been classified as a Variant of Uncertain Significance.

NM_025099.6(CTC1):c.286G>A (p.Ala96Thr)

Gene: CTC1 (CST telomere replication complex component 1; minus strand). Cytogenetic location: 17p13.1.
Variant type: single nucleotide variant.
Coding change: c.286G>A on transcript NM_025099.6 (MANE Select); coding-DNA position 286, G replaced by A.
Protein change: p.Ala96Thr; replaces alanine 96 with threonine.
Molecular consequence: missense variant. On other transcripts: non-coding transcript variant (1).
Genome position (GRCh38, 1-based): chr17:8,238,541, C>T on the plus strand (G>A on the coding strand, the complement: CTC1 is on the minus strand). VCF-style: chr17-8238541-C-T. GRCh37 (hg19) VCF-style: chr17-8141859-C-T.
Other names: short protein forms A96T.
Identifiers: ClinVar variation 644317 (VCV000644317.8), dbSNP rs751570124, ClinGen allele CA397993639.